The following is an entry in ClinVar:

NM_000426.4(LAMA2):c.3487T>C (p.Cys1163Arg)

Gene: LAMA2 (laminin subunit alpha 2; plus strand). Cytogenetic location: 6q22.33.
Variant type: single nucleotide variant.
Coding change: c.3487T>C on transcript NM_000426.4 (MANE Select); coding-DNA position 3487, T replaced by C.
Protein change: p.Cys1163Arg; replaces cysteine 1163 with arginine.
Molecular consequence: missense variant.
Genome position (GRCh38, 1-based): chr6:129,314,730, T>C. VCF-style: chr6-129314730-T-C. GRCh37 (hg19) VCF-style: chr6-129635875-T-C.
Other names: c.3487T>C, p.Cys1163Arg (NM_001079823.2); short protein forms C1163R.
Identifiers: ClinVar variation 569701 (VCV000569701.9), dbSNP rs1562449350, ClinGen allele CA365612331.

ClinVar aggregate classification (germline): Uncertain significance (1 of 4 stars; one submission).

Conditions:
LAMA2-related muscular dystrophy (LAMA2-RD). Also called: Laminin alpha 2-related dystrophy. Identifiers: MedGen C5679788, MONDO:0100228.

Submission:

Labcorp Genetics (formerly Invitae), Labcorp
Classification: Uncertain significance for LAMA2-related muscular dystrophy. Last evaluated: 2020-08-23. Review status: criteria provided, single submitter. Criteria: Invitae Variant Classification Sherloc (09022015). Collection method: clinical testing. Allele origin: germline.
Comment: Algorithms developed to predict the effect of missense changes on protein structure and function are either unavailable or do not agree on the potential impact of this missense change (SIFT: "Deleterious"; PolyPhen-2: "Probably Damaging"; Align-GVGD: "Class C0"). In summary, the available evidence is currently insufficient to determine the role of this variant in disease. Therefore, it has been classified as a Variant of Uncertain Significance. This variant has not been reported in the literature in individuals with LAMA2-related disease. This sequence change replaces cysteine with arginine at codon 1163 of the LAMA2 protein (p.Cys1163Arg). The cysteine residue is highly conserved and there is a large physicochemical difference between cysteine and arginine. This variant is not present in population databases (ExAC no frequency).